The following is an entry in ClinVar:

ClinVar aggregate classification (germline): Benign. Review status: criteria provided, single submitter (1 of 4 stars). 2 submissions from 2 submitters: Benign (1). 1 of the submissions does not count toward it. Last evaluated 2019-12-31.

Conditions:
ARHGEF28-related disorder. Also called: ARHGEF28-related condition.

Allele frequency attached by ClinVar (database versions not stated): 1000 Genomes Project 30x 0.00031; 1000 Genomes Project 0.00040; TOPMed 0.00047.
gnomAD v4.1: 777 of 1,553,270 alleles (0.05%); highest among the groups gnomAD compares: Admixed American, 0.029%; 2 homozygotes.

Submissions (2):

Labcorp Genetics (formerly Invitae), Labcorp
Classification: Benign. Last evaluated: 2019-12-31. Review status: criteria provided, single submitter. Criteria: Invitae Variant Classification Sherloc (09022015). Collection method: clinical testing. Allele origin: germline.

PreventionGenetics, part of Exact Sciences
Classification: Benign for ARHGEF28-related condition. Last evaluated: 2022-04-01. Review status: no assertion criteria provided. Collection method: clinical testing. Allele origin: germline. Not counted in ClinVar's aggregate classification.
Comment: This variant is classified as benign based on ACMG/AMP sequence variant interpretation guidelines (Richards et al. 2015 PMID: 25741868, with internal and published modifications).

NM_001177693.2(ARHGEF28):c.4358G>T (p.Arg1453Leu)

Gene: ARHGEF28 (Rho guanine nucleotide exchange factor 28; plus strand). Cytogenetic location: 5q13.2.
Variant type: single nucleotide variant.
Coding change: c.4358G>T on transcript NM_001177693.2 (MANE Select); coding-DNA position 4358, G replaced by T.
Protein change: p.Arg1453Leu; replaces arginine 1453 with leucine.
Molecular consequence: missense variant.
Genome position (GRCh38, 1-based): chr5:73,909,608, G>T. VCF-style: chr5-73909608-G-T. GRCh37 (hg19) VCF-style: chr5-73205433-G-T.
Other names: c.4358G>T, p.Arg1453Leu (NM_001080479.3, NM_001388078.1); c.3419G>T, p.Arg1140Leu (NM_001244364.2); c.4064G>T, p.Arg1355Leu (NM_001388076.1); short protein forms R1140L, R1453L, R1355L.
Identifiers: ClinVar variation 748183 (VCV000748183.6), dbSNP rs139349480, ClinGen allele CA3305350.